The following is an entry in ClinVar:

NM_001286577.2(C2CD3):c.3782T>C (p.Phe1261Ser)

Gene: C2CD3 (C2 domain containing 3 centriole elongation regulator; minus strand). Cytogenetic location: 11q13.4.
Variant type: single nucleotide variant.
Coding change: c.3782T>C on transcript NM_001286577.2 (MANE Select); coding-DNA position 3782, T replaced by C.
Protein change: p.Phe1261Ser; replaces phenylalanine 1261 with serine.
Molecular consequence: missense variant.
Genome position (GRCh38, 1-based): chr11:74,085,746, A>G on the plus strand (T>C on the coding strand, the complement: C2CD3 is on the minus strand). VCF-style: chr11-74085746-A-G. GRCh37 (hg19) VCF-style: chr11-73796791-A-G.
Other names: c.3782T>C, p.Phe1261Ser (NM_015531.6); short protein forms F1261S.
Identifiers: ClinVar variation 4694041 (VCV004694041.1).

ClinVar aggregate classification (germline): Uncertain significance (1 of 4 stars; one submission).

Submission:

Labcorp Genetics (formerly Invitae), Labcorp
Classification: Uncertain significance. Last evaluated: 2025-11-03. Review status: criteria provided, single submitter. Criteria: Invitae Variant Classification Sherloc (09022015). Collection method: clinical testing. Allele origin: germline.
Comment: This sequence change replaces phenylalanine, which is neutral and non-polar, with serine, which is neutral and polar, at codon 1261 of the C2CD3 protein (p.Phe1261Ser). This variant is not present in population databases (gnomAD no frequency). This variant has not been reported in the literature in individuals affected with C2CD3-related conditions. Invitae Evidence Modeling of protein sequence and biophysical properties (such as structural, functional, and spatial information, amino acid conservation, physicochemical variation, residue mobility, and thermodynamic stability) indicates that this missense variant is expected to disrupt C2CD3 protein function with a positive predictive value of 80%. In summary, the available evidence is currently insufficient to determine the role of this variant in disease. Therefore, it has been classified as a Variant of Uncertain Significance.